The following is an entry in ClinVar:

NM_007175.8(ERLIN2):c.622G>C (p.Glu208Gln)

Gene: ERLIN2 (ER lipid raft associated 2; plus strand). Cytogenetic location: 8p11.23.
Variant type: single nucleotide variant.
Coding change: c.622G>C on transcript NM_007175.8 (MANE Select); coding-DNA position 622, G replaced by C.
Protein change: p.Glu208Gln; replaces glutamic acid 208 with glutamine.
Molecular consequence: missense variant.
Genome position (GRCh38, 1-based): chr8:37,750,459, G>C. VCF-style: chr8-37750459-G-C. GRCh37 (hg19) VCF-style: chr8-37607977-G-C.
Other names: c.622G>C, p.Glu208Gln (NM_001362878.2); short protein forms E208Q.
Identifiers: ClinVar variation 2122317 (VCV002122317.4), dbSNP rs2487328740, ClinGen allele CA370659977.

ClinVar aggregate classification (germline): Uncertain significance (1 of 4 stars; one submission).

Conditions:
Spastic paraplegia. Identifiers: MedGen C0037772, HP:0001258.

Submission:

Labcorp Genetics (formerly Invitae), Labcorp
Classification: Uncertain significance for Spastic paraplegia. Last evaluated: 2022-04-06. Review status: criteria provided, single submitter. Criteria: Invitae Variant Classification Sherloc (09022015). Collection method: clinical testing. Allele origin: germline.
Comment: In summary, the available evidence is currently insufficient to determine the role of this variant in disease. Therefore, it has been classified as a Variant of Uncertain Significance. Algorithms developed to predict the effect of missense changes on protein structure and function (SIFT, PolyPhen-2, Align-GVGD) all suggest that this variant is likely to be disruptive. This variant has not been reported in the literature in individuals affected with ERLIN2-related conditions. This variant is not present in population databases (gnomAD no frequency). This sequence change replaces glutamic acid, which is acidic and polar, with glutamine, which is neutral and polar, at codon 208 of the ERLIN2 protein (p.Glu208Gln).